The following is an entry in ClinVar:

ClinVar aggregate classification (germline): Uncertain significance (1 of 4 stars; one submission).

Conditions:
KBG syndrome (KBGS). Also called: ANKRD11-Related KBG Syndrome. Identifiers: Orphanet 2332, MedGen C0220687, MONDO:0007846, OMIM 148050.

gnomAD v4.1: 4 of 1,614,114 alleles (0.00025%); highest among the groups gnomAD compares: South Asian, 0.0033%; no homozygotes.

Submission:

Labcorp Genetics (formerly Invitae), Labcorp
Classification: Uncertain significance for KBG syndrome. Last evaluated: 2025-06-09. Review status: criteria provided, single submitter. Criteria: Invitae Variant Classification Sherloc (09022015). Collection method: clinical testing. Allele origin: germline.
Comment: This sequence change replaces threonine, which is neutral and polar, with alanine, which is neutral and non-polar, at codon 1753 of the ANKRD11 protein (p.Thr1753Ala). This variant is not present in population databases (gnomAD no frequency). This variant has not been reported in the literature in individuals affected with ANKRD11-related conditions. Invitae Evidence Modeling of protein sequence and biophysical properties (such as structural, functional, and spatial information, amino acid conservation, physicochemical variation, residue mobility, and thermodynamic stability) indicates that this missense variant is not expected to disrupt ANKRD11 protein function with a negative predictive value of 95%. In summary, the available evidence is currently insufficient to determine the role of this variant in disease. Therefore, it has been classified as a Variant of Uncertain Significance.

NM_013275.6(ANKRD11):c.5257A>G (p.Thr1753Ala)

Gene: ANKRD11 (ankyrin repeat domain 11; minus strand). Cytogenetic location: 16q24.3.
Variant type: single nucleotide variant.
Coding change: c.5257A>G on transcript NM_013275.6 (MANE Select); coding-DNA position 5257, A replaced by G.
Protein change: p.Thr1753Ala; replaces threonine 1753 with alanine.
Molecular consequence: missense variant.
Genome position (GRCh38, 1-based): chr16:89,281,285, T>C on the plus strand (A>G on the coding strand, the complement: ANKRD11 is on the minus strand). VCF-style: chr16-89281285-T-C. GRCh37 (hg19) VCF-style: chr16-89347693-T-C.
Other names: c.5257A>G, p.Thr1753Ala (NM_001256182.2, NM_001256183.2); short protein forms T1753A.
Identifiers: ClinVar variation 4744115 (VCV004744115.1).